The following is an entry in ClinVar:

NM_001034853.2(RPGR):c.3317A>C (p.Lys1106Thr)

Gene: RPGR (retinitis pigmentosa GTPase regulator; minus strand). Cytogenetic location: Xp11.4.
Variant type: single nucleotide variant.
Coding change: c.3317A>C on transcript NM_001034853.2 (MANE Select); coding-DNA position 3317, A replaced by C.
Protein change: p.Lys1106Thr; replaces lysine 1106 with threonine.
Molecular consequence: missense variant. On other transcripts: intron variant (8).
Genome position (GRCh38, 1-based): chrX:38,285,682, T>G on the plus strand (A>C on the coding strand, the complement: RPGR is on the minus strand). VCF-style: chrX-38285682-T-G. GRCh37 (hg19) VCF-style: chrX-38144935-T-G.
Other names: NM_001034853.2(RPGR):c.3317A>C; p.Lys1106Thr; c.1569+5277A>C (NM_001367249.1, NM_001367250.1); c.1902+1412A>C (NM_001367245.1); c.1386+5277A>C (NM_001367251.1); c.1719+1412A>C (NM_001367246.1); c.1572+5277A>C (NM_001367247.1); c.1905+1412A>C (NM_000328.3); and 1 more; short protein forms K1106T.
Identifiers: ClinVar variation 1802284 (VCV001802284.4), dbSNP rs574644551, ClinGen allele CA327914520.
Genomic context (GRCh38, chrX:38,285,682, plus strand): 5'-GACTGGACTGGCATTTTGGACCTCTGCTCTTTCCCATTTCCCTGTGTGTTAGTAACTGAC[T>G]TTTTTTGATATGTTTTATGTTTGCCATATTTCACAGATCCTTTTATTTTGCTCACTTTTT-3'
Protein context (NP_001030025.1, residues 1096-1116): KYGKHKTYQK[Lys1106Thr]SVTNTQGNGK

ClinVar aggregate classification (germline): Likely benign. Review status: reviewed by expert panel (3 of 4 stars). 3 submissions from 3 submitters: Likely benign (1). 2 of the submissions do not count toward it. Last evaluated 2025-09-07.

Conditions:
RPGR-related retinopathy. Also called: RPGR retinopathy. Identifiers: MedGen CN305589, MONDO:0100437.

gnomAD v4.1: 5 of 1,209,316 alleles (0.00041%); highest among the groups gnomAD compares: Non-Finnish European, 0.00056%; no homozygotes.

Submissions (3):

ClinGen X-linked Inherited Retinal Disease Variant Curation Expert Panel, ClinGen
Classification: Likely benign for RPGR-related retinopathy. Last evaluated: 2025-09-07. Review status: reviewed by expert panel. Criteria: ClinGen X LinkedIRD ACMG Specifications RPGR V1.0.0. Collection method: curation. Allele origin: germline. Inheritance: X-linked inheritance.
Comment: NM_001034853.2(RPGR):c.3317A>C (p.Lys1106Thr) is a missense variant causing substitution of lysine by threonine at amino acid 1106. This variant is present in gnomAD v4.1.0 at a frequency of 0.000005039 among hemizygous individuals, with 2 variant alleles / 396,888 total alleles, which is higher than the ClinGen X-linked IRD VCEP BS1 threshold of >0.000005 (BS1). The computational predictor REVEL gives a score of 0.064, which is below the ClinGen X-linked IRD VCEP threshold of <0.183 and predicts a non-damaging effect on RPGR function. Additionally, the splicing impact predictor SpliceAI gives a delta score of 0.00, which is below the ClinGen X-linked IRD VCEP recommended threshold of <0.1 and does not strongly predict an impact on splicing (BP4_Moderate). In summary, this variant is classified as likely benign for RPGR-related retinopathy based on the ClinGen X-linked Inherited Retinal Disease Expert Panel Specifications to the ACMG/AMP Variant Interpretation Guidelines for RPGR Version 1.0.0; BS1 and BP4_Moderate.

Blueprint Genetics
Classification: Uncertain significance. Last evaluated: 2022-09-02. Review status: criteria provided, single submitter. Criteria: ACMG Guidelines, 2015. Collection method: clinical testing. Allele origin: germline. Not counted in ClinVar's aggregate classification.

PreventionGenetics, part of Exact Sciences
Classification: Uncertain significance. Last evaluated: 2020-03-13. Review status: criteria provided, single submitter. Criteria: ACMG Guidelines, 2015. Collection method: clinical testing. Allele origin: germline. Not counted in ClinVar's aggregate classification.